The following is an entry in ClinVar:

NM_001143981.2(CHRDL1):c.710T>C (p.Met237Thr)

Gene: CHRDL1 (chordin like 1; minus strand). Cytogenetic location: Xq23.
Variant type: single nucleotide variant.
Coding change: c.710T>C on transcript NM_001143981.2 (MANE Select); coding-DNA position 710, T replaced by C.
Protein change: p.Met237Thr; replaces methionine 237 with threonine.
Molecular consequence: missense variant. On other transcripts: non-coding transcript variant (1).
Genome position (GRCh38, 1-based): chrX:110,694,231, A>G on the plus strand (T>C on the coding strand, the complement: CHRDL1 is on the minus strand). VCF-style: chrX-110694231-A-G. GRCh37 (hg19) VCF-style: chrX-109937459-A-G.
Other names: c.707T>C, p.Met236Thr (NM_001143982.2, NM_001367207.1, NM_145234.4); c.470T>C, p.Met157Thr (NM_001143983.3); c.710T>C, p.Met237Thr (NM_001367204.1, NM_001367205.1, NM_001367206.1 and 2 more transcripts); short protein forms M157T, M236T, M237T.
Identifiers: ClinVar variation 4868954 (VCV004868954.1).

ClinVar aggregate classification (germline): Uncertain significance (1 of 4 stars; one submission).

Conditions:
Inborn genetic diseases. Identifiers: MedGen C0950123, MeSH D030342.

gnomAD v4.1: 11 of 1,207,637 alleles (0.00091%); highest among the groups gnomAD compares: East Asian, 0.0059%; no homozygotes.

Submission:

Ambry Genetics
Classification: Uncertain significance for Inborn genetic diseases. Last evaluated: 2026-04-14. Review status: criteria provided, single submitter. Criteria: Ambry Variant Classification Scheme 2023. Collection method: clinical testing. Allele origin: germline.
Comment: The c.710T>C (p.M237T) alteration is located in exon 8 (coding exon 7) of the CHRDL1 gene. This alteration results from a T to C substitution at nucleotide position 710, causing the methionine (M) at amino acid position 237 to be replaced by a threonine (T). Based on data from gnomAD, the C allele has an overall frequency of <0.001% (1/183274) total alleles studied. The highest observed frequency was 0.001% (1/81828) of European (non-Finnish) alleles. Based on insufficient or conflicting evidence, the clinical significance of this alteration remains unclear.